The following is an entry in ClinVar:

ClinVar aggregate classification (germline): Uncertain significance (1 of 4 stars; one submission).

Conditions:
Cardiovascular phenotype. Identifiers: MedGen CN230736.

Submission:

Ambry Genetics
Classification: Uncertain significance for Cardiovascular phenotype. Last evaluated: 2026-08-10. Review status: criteria provided, single submitter. Criteria: Ambry Variant Classification Scheme 2023. Collection method: clinical testing. Allele origin: germline.
Comment: The p.F4283V variant (also known as c.12847T>G), located in coding exon 90 of the RYR2 gene, results from a T to G substitution at nucleotide position 12847. The phenylalanine at codon 4283 is replaced by valine, an amino acid with highly similar properties. This amino acid position is conserved. In addition, the in silico prediction for this alteration is inconclusive. Based on the available evidence, the clinical significance of this variant remains unclear.

NM_001035.3(RYR2):c.12847T>G (p.Phe4283Val)

Genes: RYR2 (ryanodine receptor 2; plus strand), LOC126806068 (BRD4-independent group 4 enhancer GRCh37_chr1:237947411-237948610; plus strand). Cytogenetic location: 1q43.
Variant type: single nucleotide variant.
Coding change: c.12847T>G on transcript NM_001035.3 (MANE Select); coding-DNA position 12847, T replaced by G.
Protein change: p.Phe4283Val; replaces phenylalanine 4283 with valine.
Molecular consequence: missense variant.
Genome position (GRCh38, 1-based): chr1:237,784,559, T>G. VCF-style: chr1-237784559-T-G. GRCh37 (hg19) VCF-style: chr1-237947859-T-G.
Other names: short protein forms F4283V.
Identifiers: ClinVar variation 5028702 (VCV005028702.1).
Genomic context (GRCh38, chr1:237,784,559, plus strand): 5'-AGCCTGAAGAAGCAGATGAAAAAAGTAAAAAAGATGACCGTGAAGGACATGGTCACGGCC[T>G]TCTTTTCATCCTACTGGAGTATTTTCATGACCCTCTTGCACTTCGTGGCCAGCGTTTTCA-3'
Protein context (NP_001026.2, residues 4273-4293): KMTVKDMVTA[Phe4283Val]FSSYWSIFMT